The following is an entry in ClinVar:

NM_000632.4(ITGAM):c.1243C>T (p.Arg415Trp)

Gene: ITGAM (integrin subunit alpha M; plus strand). Cytogenetic location: 16p11.2.
Variant type: single nucleotide variant.
Coding change: c.1243C>T on transcript NM_000632.4 (MANE Select); coding-DNA position 1243, C replaced by T.
Protein change: p.Arg415Trp; replaces arginine 415 with tryptophan.
Molecular consequence: missense variant.
Genome position (GRCh38, 1-based): chr16:31,277,996, C>T. VCF-style: chr16-31277996-C-T. GRCh37 (hg19) VCF-style: chr16-31289317-C-T.
Other names: c.1243C>T, p.Arg415Trp (NM_001145808.2); c.1243C>T (NM_000632.3); short protein forms R415W.
Identifiers: ClinVar variation 1158783 (VCV001158783.10), dbSNP rs192388678, ClinGen allele CA8025482.

ClinVar aggregate classification (germline): Likely benign. Review status: criteria provided, single submitter (1 of 4 stars). 2 submissions from 2 submitters: Likely benign (1). 1 of the submissions does not count toward it. Last evaluated 2026-02-01.

Conditions:
ITGAM-related disorder. Also called: ITGAM-related condition.

Allele frequency attached by ClinVar (database versions not stated): 1000 Genomes Project 30x 0.00016; 1000 Genomes Project 0.00020; TOPMed 0.00081; ESP Exome Variant Server 0.00097; ExAC 0.00139.

Submissions (2):

Labcorp Genetics (formerly Invitae), Labcorp
Classification: Likely benign. Last evaluated: 2026-02-01. Review status: criteria provided, single submitter. Criteria: Invitae Variant Classification Sherloc (09022015). Collection method: clinical testing. Allele origin: germline.

PreventionGenetics, part of Exact Sciences
Classification: Likely benign for ITGAM-related condition. Last evaluated: 2024-09-05. Review status: no assertion criteria provided. Collection method: clinical testing. Allele origin: germline. Not counted in ClinVar's aggregate classification.
Comment: This variant is classified as likely benign based on ACMG/AMP sequence variant interpretation guidelines (Richards et al. 2015 PMID: 25741868, with internal and published modifications).